The following is an entry in ClinVar:

NM_001355436.2(SPTB):c.6223G>C (p.Glu2075Gln)

Gene: SPTB (spectrin beta, erythrocytic; minus strand). Cytogenetic location: 14q23.3.
Variant type: single nucleotide variant.
Coding change: c.6223G>C on transcript NM_001355436.2 (MANE Select); coding-DNA position 6223, G replaced by C.
Protein change: p.Glu2075Gln; replaces glutamic acid 2075 with glutamine.
Molecular consequence: missense variant.
Genome position (GRCh38, 1-based): chr14:64,767,349, C>G on the plus strand (G>C on the coding strand, the complement: SPTB is on the minus strand). VCF-style: chr14-64767349-C-G. GRCh37 (hg19) VCF-style: chr14-65234067-C-G.
Other names: c.6223G>C, p.Glu2075Gln (NM_001024858.4, NM_001355437.2); short protein forms E2075Q.
Identifiers: ClinVar variation 1687184 (VCV001687184.4), dbSNP rs2139479145, ClinGen allele CA390039140.

ClinVar aggregate classification (germline): Uncertain significance. Review status: criteria provided, multiple submitters, no conflicts (2 of 4 stars). 2 submissions from 2 submitters: Uncertain significance (2). Last evaluated 2024-12-16.

Conditions:
Elliptocytosis 3 (EL3). Identifiers: MedGen C1866810, MONDO:0054780, OMIM 617948.

Submissions (2):

Revvity Omics, Revvity
Classification: Uncertain significance. Last evaluated: 2024-12-16. Review status: criteria provided, single submitter. Criteria: ACMG Guidelines, 2015. Collection method: clinical testing. Allele origin: germline.

3billion
Classification: Uncertain significance for Elliptocytosis 3. Last evaluated: 2022-05-22. Review status: criteria provided, single submitter. Criteria: ACMG Guidelines, 2015. Collection method: clinical testing. Allele origin: germline. Affected: yes. Observed: 1 homozygote.
Comment: The variant is not observed in the gnomAD v2.1.1 dataset. In silico tool predictions suggest no damaging effect of the variant on gene or gene product (REVEL: 0.18; 3Cnet: 0.05). A different missense change at the same codon (p.Glu2075Gly) has been reported to be associated with SPTB related disorder (PMID: 30198572). However the evidence of pathogenicity is insufficient at this time. Therefore, this variant is classified as uncertain significanceaccording to the recommendation of ACMG/AMP guideline.

Literature cited by the submitters: PubMed 30198572 (cited by 3billion).